The following is an entry in ClinVar:

ClinVar aggregate classification (germline): Pathogenic (1 of 4 stars; one submission).

Conditions:
Pyruvate carboxylase deficiency. Also called: ATAXIA WITH LACTIC ACIDOSIS II; LEIGH NECROTIZING ENCEPHALOPATHY DUE TO PYRUVATE CARBOXYLASE DEFICIENCY; LEIGH SYNDROME DUE TO PYRUVATE CARBOXYLASE DEFICIENCY; PC DEFICIENCY; Pyruvate Carboxylase Deficiency Disease. Identifiers: Orphanet 3008, MedGen C0034341, MONDO:0009949, OMIM 266150.

Submission:

Myriad Genetics, Inc.
Classification: Pathogenic for Pyruvate carboxylase deficiency. Last evaluated: 2023-09-10. Review status: criteria provided, single submitter. Criteria: Myriad Autosomal Dominant, Autosomal Recessive and X-Linked Classification Criteria (2023). Collection method: clinical testing. Allele origin: unknown.
Comment: NM_000920.3(PC):c.844delC(H282Tfs*15) is expected to be pathogenic in the context of pyruvate carboxylase deficiency. This variant is predicted to lead to an abnormal or absent protein product due to the creation of a premature termination codon in PC, a gene where loss-of-function variants are known to be pathogenic. Please note: this variant was assessed in the context of healthy population screening.

NM_001040716.2(PC):c.844del (p.His282fs)

Gene: PC (pyruvate carboxylase; minus strand). Cytogenetic location: 11q13.2.
Variant type: Deletion.
Coding change: c.844del on transcript NM_001040716.2 (MANE Select); coding-DNA position 844, one base deleted (C; older notation c.844delC).
Protein change: p.His282fs; shifts the reading frame from histidine 282.
Molecular consequence: frameshift variant.
Genome position (GRCh38, 1-based): chr11:66,870,361, G deleted on the plus strand (C on the coding strand, the reverse complement: PC is on the minus strand); the first of 3 consecutive G bases (chr11:66,870,361-66,870,363); deleting any one gives the same sequence. VCF-style (leftmost placement, unchanged base first): chr11-66870360-TG-T. GRCh37 (hg19) VCF-style: chr11-66637831-TG-T.
Other names: c.844del, p.His282fs (NM_000920.4, NM_001439352.1, NM_001439353.1 and 5 more transcripts); short protein forms H282fs.
Identifiers: ClinVar variation 5011636 (VCV005011636.1).